The following is an entry in ClinVar:

ClinVar aggregate classification (germline): Pathogenic (1 of 4 stars; one submission).

Conditions:
Alkaptonuria (AKU). Also called: HOMOGENTISIC ACID OXIDASE DEFICIENCY; Homogentisic acidura; Alcaptonuria; Alkaptonuric ochronosis. Identifiers: Orphanet 56, MedGen C0002066, MONDO:0008753, OMIM 203500.

Submission:

Labcorp Genetics (formerly Invitae), Labcorp
Classification: Pathogenic for Alkaptonuria. Last evaluated: 2023-08-28. Review status: criteria provided, single submitter. Criteria: Invitae Variant Classification Sherloc (09022015). Collection method: clinical testing. Allele origin: germline.
Comment: This sequence change creates a premature translational stop signal (p.Arg197Serfs*29) in the HGD gene. It is expected to result in an absent or disrupted protein product. Loss-of-function variants in HGD are known to be pathogenic (PMID: 12501223, 19862842). This variant is not present in population databases (gnomAD no frequency). This variant has not been reported in the literature in individuals affected with HGD-related conditions. Algorithms developed to predict the effect of sequence changes on RNA splicing suggest that this variant may disrupt the consensus splice site. For these reasons, this variant has been classified as Pathogenic.

Literature cited by the submitters: PubMed 12501223; PubMed 19862842.

NM_000187.4(HGD):c.588_597del (p.Arg197fs)

Gene: HGD (homogentisate 1,2-dioxygenase; minus strand). Cytogenetic location: 3q13.33.
Variant type: Deletion.
Coding change: c.588_597del on transcript NM_000187.4 (MANE Select); coding-DNA positions 588 to 597, 10 bases deleted (CAGGGGCTAC; older notation c.588_597delCAGGGGCTAC).
Protein change: p.Arg197fs; shifts the reading frame from arginine 197.
Molecular consequence: frameshift variant.
Genome position (GRCh38, 1-based): chr3:120,646,319-120,646,328, GTAGCCCCTG deleted on the plus strand (CAGGGGCTAC on the coding strand, the reverse complement: HGD is on the minus strand); deleting any 10 consecutive bases within chr3:120,646,319-120,646,330 gives the same sequence; the c. name uses the placement nearest the transcript's 3' end. VCF-style (leftmost placement, unchanged base first): chr3-120646318-TGTAGCCCCTG-T. GRCh37 (hg19) VCF-style: chr3-120365165-TGTAGCCCCTG-T.
Other names: short protein forms R197fs.
Identifiers: ClinVar variation 2755237 (VCV002755237.3), dbSNP rs2472698201, ClinGen allele CA2697556794.